The following is an entry in ClinVar:

ClinVar aggregate classification (germline): Uncertain significance (1 of 4 stars; one submission).

Submission:

Women's Health and Genetics/Laboratory Corporation of America, LabCorp
Classification: Uncertain significance. Last evaluated: 2025-07-14. Review status: criteria provided, single submitter. Criteria: LabCorp Variant Classification Summary - May 2015. Collection method: clinical testing. Allele origin: germline.
Comment: Variant summary: CYP21A2 c.1334G>C (p.Arg445Pro) results in a non-conservative amino acid change in the encoded protein sequence. Algorithms developed to predict the effect of missense changes on protein structure and function are either unavailable or do not agree on the potential impact of this missense change. The variant was absent in 135612 control chromosomes (gnomAD). The available data on variant occurrences in the general population are insufficient to allow any conclusion about variant significance. c.1334G>C has been observed in at least one individual affected with Congenital Adrenal Hyperplasia (Wang_2021). These data do not allow clear conclusions about variant significance. To our knowledge, no experimental evidence demonstrating an impact on protein function has been reported. An in silico evaluation predicted that this missense change to proline breaks the alpha-helix and disrupts the helical packing (Haider_2013). The following publications have been ascertained in the context of this evaluation (PMID: 23359706, 33864926, 32616876, 29035424). No submitters have cited clinical-significance assessments for this variant to ClinVar. Based on the evidence outlined above, the variant was classified as uncertain significance.

Literature cited by the submitters: PubMed 32616876; PubMed 23359706; PubMed 33864926; PubMed 29035424.

NM_000500.9(CYP21A2):c.1334G>C (p.Arg445Pro)

Genes: CYP21A2 (cytochrome P450 family 21 subfamily A member 2; plus strand), LOC106780800 (CYP21A2 recombination region; plus strand). Cytogenetic location: 6p21.33.
Variant type: single nucleotide variant.
Coding change: c.1334G>C on transcript NM_000500.9 (MANE Select); coding-DNA position 1334, G replaced by C.
Protein change: p.Arg445Pro; replaces arginine 445 with proline.
Molecular consequence: missense variant.
Genome position (GRCh38, 1-based): chr6:32,040,980, G>C. VCF-style: chr6-32040980-G-C. GRCh37 (hg19) VCF-style: chr6-32008757-G-C.
Other names: c.1244G>C, p.Arg415Pro (NM_001128590.4); c.929G>C, p.Arg310Pro (NM_001368143.2, NM_001368144.2); short protein forms R415P, R310P, R445P.
Identifiers: ClinVar variation 4525931 (VCV004525931.1).
Genomic context (GRCh38, chr6:32,040,980, plus strand): 5'-GTGCCCGCGTGTGCCTGGGCGAGCCGCTGGCGCGCCTGGAGCTCTTCGTGGTGCTGACCC[G>C]ACTGCTGCAGGCCTTCACGCTGCTGCCCTCCGGGGACGCCCTGCCCTCCCTGCAGCCCCT-3'
Protein context (NP_000491.4, residues 435-455): ARLELFVVLT[Arg445Pro]LLQAFTLLPS